The following is an entry in ClinVar:

ClinVar aggregate classification (germline): Uncertain significance (1 of 4 stars; one submission).

Conditions:
Epilepsy, progressive myoclonic, 1B. Also called: PME. Identifiers: Orphanet 308, MedGen C2676254, MONDO:0012904, OMIM 612437.

gnomAD v4.1: 1 of 1,614,086 alleles (0.000062%); highest among the groups gnomAD compares: Non-Finnish European, 0.000085%; no homozygotes.

Submission:

Labcorp Genetics (formerly Invitae), Labcorp
Classification: Uncertain significance for Epilepsy, progressive myoclonic, 1B. Last evaluated: 2024-10-15. Review status: criteria provided, single submitter. Criteria: Invitae Variant Classification Sherloc (09022015). Collection method: clinical testing. Allele origin: germline.
Comment: This sequence change replaces proline, which is neutral and non-polar, with serine, which is neutral and polar, at codon 354 of the PRICKLE1 protein (p.Pro354Ser). This variant is not present in population databases (gnomAD no frequency). This variant has not been reported in the literature in individuals affected with PRICKLE1-related conditions. ClinVar contains an entry for this variant (Variation ID: 961932). Invitae Evidence Modeling of protein sequence and biophysical properties (such as structural, functional, and spatial information, amino acid conservation, physicochemical variation, residue mobility, and thermodynamic stability) indicates that this missense variant is not expected to disrupt PRICKLE1 protein function with a negative predictive value of 80%. In summary, the available evidence is currently insufficient to determine the role of this variant in disease. Therefore, it has been classified as a Variant of Uncertain Significance.

NM_153026.3(PRICKLE1):c.1060C>T (p.Pro354Ser)

Genes: PRICKLE1 (prickle planar cell polarity protein 1; minus strand), LOC126861509 (BRD4-independent group 4 enhancer GRCh37_chr12:42858567-42859766; plus strand). Cytogenetic location: 12q12.
Variant type: single nucleotide variant.
Coding change: c.1060C>T on transcript NM_153026.3 (MANE Select); coding-DNA position 1060, C replaced by T.
Protein change: p.Pro354Ser; replaces proline 354 with serine.
Molecular consequence: missense variant.
Genome position (GRCh38, 1-based): chr12:42,464,974, G>A on the plus strand (C>T on the coding strand, the complement: PRICKLE1 is on the minus strand). VCF-style: chr12-42464974-G-A. GRCh37 (hg19) VCF-style: chr12-42858776-G-A.
Other names: c.1060C>T, p.Pro354Ser (NM_001144881.2, NM_001144882.2, NM_001144883.2); short protein forms P354S.
Identifiers: ClinVar variation 961932 (VCV000961932.10), dbSNP rs1938033219, ClinGen allele CA384442553.